The following is an entry in ClinVar:

ClinVar aggregate classification (germline): Uncertain significance (1 of 4 stars; one submission).

Conditions:
Autosomal recessive severe congenital neutropenia due to JAGN1 deficiency. Also called: Severe congenital neutropenia 6, autosomal recessive. Identifiers: Orphanet 423384, MedGen C4014954, MONDO:0014456, OMIM 616022.

Submission:

Labcorp Genetics (formerly Invitae), Labcorp
Classification: Uncertain significance for Autosomal recessive severe congenital neutropenia due to JAGN1 deficiency. Last evaluated: 2019-01-20. Review status: criteria provided, single submitter. Criteria: Invitae Variant Classification Sherloc (09022015). Collection method: clinical testing. Allele origin: germline.
Comment: This variant, c.541_543del, results in the deletion of 1 amino acid of the JAGN1 protein (p.Lys181del), but otherwise preserves the integrity of the reading frame. This variant is present in population databases (rs756989255, ExAC 0.007%). In summary, the available evidence is currently insufficient to determine the role of this variant in disease. Therefore, it has been classified as a Variant of Uncertain Significance. Experimental studies and prediction algorithms are not available for this variant, and the functional significance of the affected amino acid(s) is currently unknown. This variant has not been reported in the literature in individuals with JAGN1-related conditions.

NM_032492.4(JAGN1):c.538AAG[1] (p.Lys181del)

Gene: JAGN1 (jagunal vesicle mediated transporter 1; plus strand). Cytogenetic location: 3p25.3.
Variant type: Microsatellite.
Coding change: c.538AAG[1] on transcript NM_032492.4 (MANE Select); one copy of the 3-base unit AAG starting at c.538; the reference has two copies in a row; one copy, 3 bases deleted.
Protein change: p.Lys181del; deletes lysine 181.
Molecular consequence: inframe deletion.
Genome position (GRCh38, 1-based): chr3:9,893,366-9,893,368, AAG deleted; deleting any 3 consecutive bases within chr3:9,893,361-9,893,368 gives the same sequence; the position shown is the placement nearest the transcript's 3' end. VCF-style (leftmost placement, unchanged base first): chr3-9893360-GAGA-G. GRCh37 (hg19) VCF-style: chr3-9935044-GAGA-G.
Other names: c.376AAG[1], p.Lys127del (NM_001363890.1); short protein forms K181del, K127del.
Identifiers: ClinVar variation 843940 (VCV000843940.6), dbSNP rs756989255, ClinGen allele CA2245916.